The following is an entry in ClinVar:

NM_000512.5(GALNS):c.1480A>G (p.Met494Val)

Genes: GALNS (galactosamine (N-acetyl)-6-sulfatase; minus strand), LOC126862447 (CDK7 strongly-dependent group 2 enhancer GRCh37_chr16:88884193-88885392; plus strand). Cytogenetic location: 16q24.3.
Variant type: single nucleotide variant.
Coding change: c.1480A>G on transcript NM_000512.5 (MANE Select); coding-DNA position 1480, A replaced by G.
Protein change: p.Met494Val; replaces methionine 494 with valine.
Molecular consequence: missense variant.
Genome position (GRCh38, 1-based): chr16:88,818,009, T>C on the plus strand (A>G on the coding strand, the complement: GALNS is on the minus strand). VCF-style: chr16-88818009-T-C. GRCh37 (hg19) VCF-style: chr16-88884417-T-C.
Other names: c.925A>G, p.Met309Val (NM_001323543.2); c.1498A>G, p.Met500Val (NM_001323544.2); short protein forms M309V, M494V, M500V.
Identifiers: ClinVar variation 1048245 (VCV001048245.18), dbSNP rs1401175486, ClinGen allele CA397094066.

ClinVar aggregate classification (germline): Conflicting classifications of pathogenicity. Review status: criteria provided, conflicting classifications (1 of 4 stars). 6 submissions from 6 submitters: Pathogenic (1); Likely pathogenic (3); Uncertain significance (2). Last evaluated 2026-02-27.

Conditions:
Mucopolysaccharidosis, MPS-IV-A (MPS4A). Also called: Mucopolysaccharidosis type IV A; MPS IVA; Mucopolysaccharidosis Type IVA; GALACTOSAMINE-6-SULFATASE DEFICIENCY; GALNS DEFICIENCY; Morquio syndrome A, mild. Identifiers: Orphanet 309297, Orphanet 582, MedGen C0086651, MONDO:0009659, OMIM 253000.
GALNS-related disorders.
Congenital portosystemic shunt. Identifiers: Orphanet 480531, MedGen C1290495, MONDO:0018811.

Allele frequency attached by ClinVar (database versions not stated): TOPMed below 0.00001; gnomAD 0.00001.
gnomAD v4.1: 6 of 1,581,014 alleles (0.00038%); highest among the groups gnomAD compares: Non-Finnish European, 0.00043%; no homozygotes.

Submissions (6):

Department of Pediatrics, Graduate School of Medical Sciences, Kyushu University
Classification: Uncertain significance for Congenital portosystemic shunt. Last evaluated: 2026-02-27. Review status: criteria provided, single submitter. Criteria: ACMG Guidelines, 2015. Collection method: research. Allele origin: germline. Affected: yes.
Comment: The variant is absent or extremely rare in population databases including gnomAD. In silico prediction tools, including CADD, suggest a deleterious effect on the protein. However, the association between this gene and CPSS has not been established. Therefore, the clinical significance of this variant is currently classified as a variant of uncertain significance (VUS).

Labcorp Genetics (formerly Invitae), Labcorp
Classification: Pathogenic for Mucopolysaccharidosis, MPS-IV-A. Last evaluated: 2025-03-17. Review status: criteria provided, single submitter. Criteria: Invitae Variant Classification Sherloc (09022015). Collection method: clinical testing. Allele origin: germline.
Comment: This sequence change replaces methionine, which is neutral and non-polar, with valine, which is neutral and non-polar, at codon 494 of the GALNS protein (p.Met494Val). This variant is not present in population databases (gnomAD no frequency). This missense change has been observed in individual(s) with MPS IVA (PMID: 9298823, 23876334; internal data). In at least one individual the data is consistent with being in trans (on the opposite chromosome) from a pathogenic variant. ClinVar contains an entry for this variant (Variation ID: 1048245). An algorithm developed to predict the effect of missense changes on protein structure and function (PolyPhen-2) suggests that this variant is likely to be tolerated. For these reasons, this variant has been classified as Pathogenic.

Fulgent Genetics
Classification: Likely pathogenic for Mucopolysaccharidosis, MPS-IV-A. Last evaluated: 2024-01-05. Review status: criteria provided, single submitter. Criteria: ACMG Guidelines, 2015. Collection method: clinical testing. Allele origin: germline.

Blueprint Genetics
Classification: Likely pathogenic for GALNS-related disorders. Last evaluated: 2023-02-03. Review status: criteria provided, single submitter. Criteria: ACMG Guidelines, 2015. Collection method: clinical testing. Allele origin: germline. Affected: yes. Observed: 3 variant alleles.

Genome-Nilou Lab
Classification: Likely pathogenic for Mucopolysaccharidosis, MPS-IV-A. Last evaluated: 2021-11-07. Review status: criteria provided, single submitter. Criteria: ACMG Guidelines, 2015. Collection method: clinical testing. Allele origin: germline. Affected: no.

Laboratory of Diagnosis and Therapy of Lysosomal Disorders, University of Padova
Classification: Uncertain significance for Mucopolysaccharidosis, MPS-IV-A. Last evaluated: 2021-02-01. Review status: criteria provided, single submitter. Criteria: ACMG Guidelines, 2015. Collection method: research. Allele origin: germline. Affected: yes.
Comment: In vivo functional studies supportive of a damaging effect on the gene product (low to null enzymatic activity in homozygotes; PS3_supporting); the prevalence of the variant in affected individuals is significantly increased compared with the prevalence in controls (PS4_moderate); absent from gnomAD v2.1.1 (PM2_moderate)

Literature cited by the submitters: PubMed 9298823 (cited by Labcorp Genetics (formerly Invitae), Labcorp and Laboratory of Diagnosis and Therapy of Lysosomal Disorders, University of Padova); PubMed 23876334 (cited by Labcorp Genetics (formerly Invitae), Labcorp and Laboratory of Diagnosis and Therapy of Lysosomal Disorders, University of Padova); PubMed 24726177 (cited by Laboratory of Diagnosis and Therapy of Lysosomal Disorders, University of Padova); PubMed 25545067 (cited by Laboratory of Diagnosis and Therapy of Lysosomal Disorders, University of Padova); PubMed 32993725 (cited by Laboratory of Diagnosis and Therapy of Lysosomal Disorders, University of Padova); PubMed 34387910 (cited by Laboratory of Diagnosis and Therapy of Lysosomal Disorders, University of Padova).